The following is an entry in ClinVar:

NM_198253.3(TERT):c.2828A>C (p.Gln943Pro)

Gene: TERT (telomerase reverse transcriptase; minus strand). Cytogenetic location: 5p15.33.
Variant type: single nucleotide variant.
Coding change: c.2828A>C on transcript NM_198253.3 (MANE Select); coding-DNA position 2828, A replaced by C.
Protein change: p.Gln943Pro; replaces glutamine 943 with proline.
Molecular consequence: missense variant. On other transcripts: intron variant (1).
Genome position (GRCh38, 1-based): chr5:1,264,419, T>G on the plus strand (A>C on the coding strand, the complement: TERT is on the minus strand). VCF-style: chr5-1264419-T-G. GRCh37 (hg19) VCF-style: chr5-1264534-T-G.
Other names: c.2654+2045A>C (NM_001193376.3); short protein forms Q943P.
Identifiers: ClinVar variation 5030673 (VCV005030673.1).

ClinVar aggregate classification (germline): Uncertain significance (1 of 4 stars; one submission).

Conditions:
Dyskeratosis congenita. Identifiers: Orphanet 1775, MedGen C0265965, MONDO:0015780.

Submission:

Ambry Genetics
Classification: Uncertain significance for Dyskeratosis congenita. Last evaluated: 2026-09-14. Review status: criteria provided, single submitter. Criteria: Ambry Variant Classification Scheme 2023. Collection method: clinical testing. Allele origin: germline.
Comment: The p.Q943P variant (also known as c.2828A>C), located in coding exon 11 of the TERT gene, results from an A to C substitution at nucleotide position 2828. The glutamine at codon 943 is replaced by proline, an amino acid with similar properties. This amino acid position is conserved. In addition, this alteration is predicted to be tolerated by in silico analysis. Based on the available evidence, the clinical significance of this variant remains unclear.